The following is an entry in ClinVar:

NM_015915.5(ATL1):c.630+105G>A

Gene: ATL1 (atlastin GTPase 1; plus strand). Cytogenetic location: 14q22.1.
Variant type: single nucleotide variant.
Coding change: c.630+105G>A on transcript NM_015915.5 (MANE Select); 105 bases into the intron after coding-DNA position 630, G replaced by A.
Molecular consequence: intron variant.
Genome position (GRCh38, 1-based): chr14:50,595,737, G>A. VCF-style: chr14-50595737-G-A. GRCh37 (hg19) VCF-style: chr14-51062455-G-A.
Other names: c.630+105G>A (NM_001127713.1, NM_181598.4).
Identifiers: ClinVar variation 670499 (VCV000670499.5), dbSNP rs10131107, ClinGen allele CA13991635.

ClinVar aggregate classification (germline): Benign. Review status: criteria provided, multiple submitters, no conflicts (2 of 4 stars). 3 submissions from 3 submitters: Benign (3). Last evaluated 2021-07-14.

Conditions:
Neuropathy, hereditary sensory, type 1D. Identifiers: Orphanet 36386, MedGen C3150972, MONDO:0013381, OMIM 613708.

Allele frequency attached by ClinVar (database versions not stated): gnomAD 0.49391 and 0.50227; TOPMed 0.50100; 1000 Genomes Project 30x 0.53435; 1000 Genomes Project 0.54073; gnomAD exomes 0.56220.
gnomAD v4.1: 609,515 of 1,100,928 alleles (55%); highest among the groups gnomAD compares: East Asian, 73%; 172,561 homozygotes.

Submissions (3):

Genome-Nilou Lab
Classification: Benign for Neuropathy, hereditary sensory, type 1D. Last evaluated: 2021-07-14. Review status: criteria provided, single submitter. Criteria: ACMG Guidelines, 2015. Collection method: clinical testing. Allele origin: germline. Affected: no.

GeneDx
Classification: Benign. Last evaluated: 2018-06-14. Review status: criteria provided, single submitter. Criteria: GeneDx Variant Classification (06012015). Collection method: clinical testing. Allele origin: germline. Affected: yes.
Comment: This variant is considered likely benign or benign based on one or more of the following criteria: it is a conservative change, it occurs at a poorly conserved position in the protein, it is predicted to be benign by multiple in silico algorithms, and/or has population frequency not consistent with disease.

Breakthrough Genomics
Classification: Benign. Review status: criteria provided, single submitter. Criteria: ACMG Guidelines, 2015. Collection method: not provided. Allele origin: germline. Inheritance: Autosomal dominant inheritance. Affected: yes.